The following is an entry in ClinVar:

ClinVar aggregate classification (germline): Uncertain significance (1 of 4 stars; one submission).

Conditions:
Hereditary spastic paraplegia 49 (HSAN9). Also called: TECPR2-Related Hereditary Sensory and Autonomic Neuropathy with Intellectual Disability; NEUROPATHY, HEREDITARY SENSORY AND AUTONOMIC, TYPE IX, WITH DEVELOPMENTAL DELAY; Spastic paraplegia 49, autosomal recessive. Identifiers: Orphanet 320385, MedGen C5190860, MONDO:0014016, OMIM 615031.

Allele frequency attached by ClinVar (database versions not stated): gnomAD exomes 0.00001.
gnomAD v4.1: 10 of 1,613,054 alleles (0.00062%); highest among the groups gnomAD compares: Non-Finnish European, 0.00085%; no homozygotes.

Submission:

Labcorp Genetics (formerly Invitae), Labcorp
Classification: Uncertain significance for Hereditary spastic paraplegia 49. Last evaluated: 2022-06-26. Review status: criteria provided, single submitter. Criteria: Invitae Variant Classification Sherloc (09022015). Collection method: clinical testing. Allele origin: germline.
Comment: In summary, the available evidence is currently insufficient to determine the role of this variant in disease. Therefore, it has been classified as a Variant of Uncertain Significance. Algorithms developed to predict the effect of missense changes on protein structure and function are either unavailable or do not agree on the potential impact of this missense change (SIFT: "Deleterious"; PolyPhen-2: "Probably Damaging"; Align-GVGD: "Class C0"). This variant has not been reported in the literature in individuals affected with TECPR2-related conditions. This variant is not present in population databases (gnomAD no frequency). This sequence change replaces serine, which is neutral and polar, with glycine, which is neutral and non-polar, at codon 418 of the TECPR2 protein (p.Ser418Gly).

NM_014844.5(TECPR2):c.1252A>G (p.Ser418Gly)

Gene: TECPR2 (tectonin beta-propeller repeat containing 2; plus strand). Cytogenetic location: 14q32.31.
Variant type: single nucleotide variant.
Coding change: c.1252A>G on transcript NM_014844.5 (MANE Select); coding-DNA position 1252, A replaced by G.
Protein change: p.Ser418Gly; replaces serine 418 with glycine.
Molecular consequence: missense variant.
Genome position (GRCh38, 1-based): chr14:102,431,963, A>G. VCF-style: chr14-102431963-A-G. GRCh37 (hg19) VCF-style: chr14-102898300-A-G.
Other names: c.1252A>G, p.Ser418Gly (NM_001172631.3); short protein forms S418G.
Identifiers: ClinVar variation 1968007 (VCV001968007.3), dbSNP rs2504417768, ClinGen allele CA391055135.
Genomic context (GRCh38, chr14:102,431,963, plus strand): 5'-ATGGCCAGCTCCGTGGCCAGCGAGCCAAGGAGCAGGAGCAGCTCGCTCAACTCCACCGAC[A>G]GCGGCTCCGGGCTCCTGCCCCCTGGGCTCCAGGCCACCCCTGAGCTGGGCAAGGGCAGCC-3'
Protein context (NP_055659.2, residues 408-428): SRSSSLNSTD[Ser418Gly]GSGLLPPGLQ